The following is an entry in ClinVar:

NM_002900.3(RBP3):c.2576T>G (p.Met859Arg)

Gene: RBP3 (retinol binding protein 3; plus strand). Cytogenetic location: 10q11.22.
Variant type: single nucleotide variant.
Coding change: c.2576T>G on transcript NM_002900.3 (MANE Select); coding-DNA position 2576, T replaced by G.
Protein change: p.Met859Arg; replaces methionine 859 with arginine.
Molecular consequence: missense variant.
Genome position (GRCh38, 1-based): chr10:47,351,060, T>G. VCF-style: chr10-47351060-T-G. GRCh37 (hg19) VCF-style: chr10-48388302-A-C.
Other names: short protein forms M859R.
Identifiers: ClinVar variation 1404052 (VCV001404052.6), dbSNP rs1294630384, ClinGen allele CA376673434.

ClinVar aggregate classification (germline): Uncertain significance (1 of 4 stars; one submission).

Submission:

Labcorp Genetics (formerly Invitae), Labcorp
Classification: Uncertain significance. Last evaluated: 2023-12-22. Review status: criteria provided, single submitter. Criteria: Invitae Variant Classification Sherloc (09022015). Collection method: clinical testing. Allele origin: germline.
Comment: This sequence change replaces methionine, which is neutral and non-polar, with arginine, which is basic and polar, at codon 859 of the RBP3 protein (p.Met859Arg). This variant is present in population databases (no rsID available, gnomAD 0.0009%). This variant has not been reported in the literature in individuals affected with RBP3-related conditions. ClinVar contains an entry for this variant (Variation ID: 1404052). An algorithm developed to predict the effect of missense changes on protein structure and function (PolyPhen-2) suggests that this variant is likely to be tolerated. In summary, the available evidence is currently insufficient to determine the role of this variant in disease. Therefore, it has been classified as a Variant of Uncertain Significance.